The following is an entry in ClinVar:

ClinVar aggregate classification (germline): Pathogenic. Review status: reviewed by expert panel (3 of 4 stars). 26 submissions from 24 submitters: Pathogenic (1). 25 of the submissions do not count toward it. Last evaluated 2025-01-09.

Conditions:
Muscular dystrophy, limb-girdle, autosomal dominant 4. Also called: Calpain-3-related limb-girdle muscular dystrophy D4; MUSCULAR DYSTROPHY, LIMB-GIRDLE, TYPE 1I. Identifiers: Orphanet 565909, MedGen C4748295, MONDO:0029133, OMIM 618129.
Other rare neuromuscular disorders.
Autosomal recessive limb-girdle muscular dystrophy type 2A (LGMDR1). Also called: Muscular dystrophy, limb-girdle, type 2A, Amish; LEYDEN-MOEBIUS MUSCULAR DYSTROPHY; Calpainopathy; MUSCULAR DYSTROPHY, PELVOFEMORAL; Limb-girdle muscular dystrophy, type 2A. Identifiers: Orphanet 267, MedGen C1869123, MONDO:0009675, OMIM 253600. Disease mechanism: loss of function.
CAPN3-related disorder. Also called: CAPN3-related condition; CAPN3-related disorders. Identifiers: MedGen CN239245.
Autosomal recessive limb-girdle muscular dystrophy. Identifiers: Orphanet 102015, MedGen C2931907, MONDO:0015152.

Allele frequency attached by ClinVar (database versions not stated): ExAC 0.00011; gnomAD 0.00013 and 0.00015; 1000 Genomes Project 30x 0.00016; 1000 Genomes Project 0.00020; gnomAD exomes 0.00008; ESP Exome Variant Server 0.00008; TOPMed 0.00013.

Submissions 1 to 8 of 26:

ClinGen Limb Girdle Muscular Dystrophy Variant Curation Expert Panel, ClinGen
Classification: Pathogenic for Autosomal recessive limb-girdle muscular dystrophy. Last evaluated: 2025-01-09. Review status: reviewed by expert panel. Criteria: ClinGen LGMD VCEP ACMG Specifications CAPN3 V1.0.0. Collection method: curation. Allele origin: germline. Inheritance: Autosomal recessive inheritance.
Comment: The NM_000070.3: c.1468C>T variant in CAPN3 is a missense variant predicted to cause substitution of arginine by tryptophan at amino acid 490 (p.Arg490Trp). This variant has been detected in at least 18 individuals with limb girdle muscular dystrophy (PMID: 18055493, 10330340, 25214167, 25135358, 26632398, 12461690, 17994539), including in a homozygous state in at least two cases (1.0 pt; PMID: 18055493), confirmed in trans with a pathogenic variant in one case (c.550del p.(Thr184ArgfsTer36), 1.0 pt, PMID: 17994539), and in unknown phase with a pathogenic variant in four cases c.550del p.(Thr184ArgfsTer36), 1.0 pt, PMID: 25135358; c.2279dup p.(Asn760LysfsTer5), 0.5 pts, PMID: 18055493; c.2242C>T p.(Arg748Ter), 0.5 pts, PMID: 25214167) (PM3_Very Strong). At least one patient with this variant was clinically suspected to have limb girdle muscular dystrophy and displayed reduced calpain-3 protein expression, which is specific for CAPN3-related LGMD (PP4_Moderate; PMID: 17994539). The highest population minor allele frequency of this variant is 0.0004598 (4/8700 genome alleles) in the African/African American population in gnomAD v2.1.1, which is greater than the LGMD VCEP threshold (<0.0001) for PM2_Supporting (criterion not met). The computational predictor REVEL gives a score of 0.84, which is above the VCEP threshold of 0.70, evidence that correlates with impact to CAPN3 function (PP3). In summary, this variant meets the criteria to be classified as Pathogenic for autosomal recessive limb girdle muscular dystrophy based on the ACMG/AMP criteria applied, as specified by the ClinGen LGMD VCEP (LGMD VCEP specifications version 1.0.0; 01/09/2025): PM3_Very Strong, PP4_Moderate, PP3.

NHS Central & South Genomic Laboratory Hub
Classification: Pathogenic for Other rare neuromuscular disorders. Last evaluated: 2026-08-06. Review status: criteria provided, single submitter. Criteria: ACMG Guidelines, 2015. Collection method: clinical testing. Allele origin: germline. Affected: yes. Not counted in ClinVar's aggregate classification.

3billion
Classification: Pathogenic for Autosomal recessive limb-girdle muscular dystrophy type 2A. Last evaluated: 2026-01-29. Review status: criteria provided, single submitter. Criteria: ACMG Guidelines, 2015. Collection method: clinical testing. Allele origin: germline. Affected: yes. Not counted in ClinVar's aggregate classification.
Comment: The variant is observed at an extremely low frequency in the gnomAD v4.1.0 dataset (total allele frequency: 0.023%). Predicted Consequence/Location: Missense variant In silico tool predictions suggest damaging effect of the variant on gene or gene product [REVEL: 0.84 (>=0.6, sensitivity 0.68 and specificity 0.92); 3Cnet: 0.99 (> 0.75, sensitivity 0.96 and precision 0.92)]. The same nucleotide change resulting in the same amino acid change has been previously reported as pathogenic/likely pathogenic with strong evidence (ClinVar ID: VCV000166790 /PMID: 7720071). The variant has been reported to be in trans (confirmed or potential) with an additional pathogenic variant or VUS in at least one similarly affected unrelated individual (PMID: 10330340, 12461690, 17994539, 18055493, 25135358, 25214167, 26632398). A different missense change at the same codon (p.Arg490Gln) has been reported as pathogenic/likely pathogenic with strong evidence (ClinVar ID: VCV000017622 /PMID: 9266733). Therefore, this variant is classified as Pathogenic according to the recommendation of ACMG/AMP guideline.

Labcorp Genetics (formerly Invitae), Labcorp
Classification: Pathogenic for Autosomal recessive limb-girdle muscular dystrophy type 2A. Last evaluated: 2026-01-14. Review status: criteria provided, single submitter. Criteria: Invitae Variant Classification Sherloc (09022015). Collection method: clinical testing. Allele origin: germline. Not counted in ClinVar's aggregate classification.
Comment: This sequence change replaces arginine, which is basic and polar, with tryptophan, which is neutral and slightly polar, at codon 490 of the CAPN3 protein (p.Arg490Trp). This variant is present in population databases (rs141656719, gnomAD 0.03%). This missense change has been observed in individuals with autosomal recessive limb-girdle muscular dystrophy (LGMD) 2A (PMID: 7720071, 14578192, 15221789, 16372320, 16971480, 17157502, 17994539, 18055493, 18563459, 18854869, 19015733, 21204801, 25135358, 25252031, 26632398, 27055500). ClinVar contains an entry for this variant (Variation ID: 166790). Invitae Evidence Modeling of protein sequence and biophysical properties (such as structural, functional, and spatial information, amino acid conservation, physicochemical variation, residue mobility, and thermodynamic stability) indicates that this missense variant is expected to disrupt CAPN3 protein function with a positive predictive value of 80%. Experimental studies have shown that this missense change affects CAPN3 function (PMID: 14578192, 16971480, 19226146). This variant disrupts the p.Arg409 amino acid residue in CAPN3. Other variant(s) that disrupt this residue have been determined to be pathogenic (PMID: 14578192, 15221789, 16971480, 17994539, 18563459, 21984748, 22378277). This suggests that this residue is clinically significant, and that variants that disrupt this residue are likely to be disease-causing. For these reasons, this variant has been classified as Pathogenic.

Natera, Inc.
Classification: Pathogenic for Limb-girdle muscular dystrophy type 2A. Last evaluated: 2025-12-30. Review status: criteria provided, single submitter. Criteria: Natera Variant Classification Schema (03/2026). Collection method: clinical testing. Allele origin: germline. Not counted in ClinVar's aggregate classification.
Comment: The c.1468C>T variant in CAPN3 is a missense variant predicted to cause substitution of arginine to tryptophan at amino acid 490. This variant is rare in the general population with a frequency below the threshold expected for the associated phenotype(s). This variant has been observed in one or more individuals affected with the associated recessive disease, as either homozygous or compound heterozygous with a second variant (PMID: 12461690, 19364062). Given the available evidence, this variant is classified as Pathogenic.

PreventionGenetics, part of Exact Sciences
Classification: Pathogenic for CAPN3-related condition. Last evaluated: 2025-08-13. Review status: criteria provided, single submitter. Criteria: ACMG Guidelines, 2015. Collection method: clinical testing. Allele origin: germline. Not counted in ClinVar's aggregate classification.
Comment: The CAPN3 c.1468C>T variant is predicted to result in the amino acid substitution p.Arg490Trp. This variant has been repeatedly reported in the compound heterozygous or homozygous state in individuals with limb-girdle muscular dystrophy (gene referred to as CANP3 in Richard et al. 1995. PubMed ID: 7720071; Fanin et al. 2003. PubMed ID: 14578192; Krahn et al. 2011. PubMed ID: 21204801; Savarese et al. 2014. PubMed ID: 25214167). Functional studies indicate this variant disrupts the normal autocatalytic activity (Fanin et al. 2003. PubMed ID: 14578192). This variant is reported in 0.032% of alleles in individuals of African descent in gnomAD. This variant is interpreted as pathogenic.

Revvity Omics, Revvity
Classification: Pathogenic. Last evaluated: 2025-03-10. Review status: criteria provided, single submitter. Criteria: ACMG Guidelines, 2015. Collection method: clinical testing. Allele origin: germline. Not counted in ClinVar's aggregate classification.

Baylor Genetics
Classification: Pathogenic for Muscular dystrophy, limb-girdle, autosomal dominant 4. Last evaluated: 2024-03-26. Review status: criteria provided, single submitter. Criteria: ACMG Guidelines, 2015. Collection method: clinical testing. Allele origin: unknown. Not counted in ClinVar's aggregate classification.

NM_000070.3(CAPN3):c.1468C>T (p.Arg490Trp)

Gene: CAPN3 (calpain 3; plus strand). Cytogenetic location: 15q15.1.
Variant type: single nucleotide variant.
Coding change: c.1468C>T on transcript NM_000070.3 (MANE Select); coding-DNA position 1468, C replaced by T.
Protein change: p.Arg490Trp; replaces arginine 490 with tryptophan.
Molecular consequence: missense variant.
Genome position (GRCh38, 1-based): chr15:42,401,754, C>T. VCF-style: chr15-42401754-C-T. GRCh37 (hg19) VCF-style: chr15-42693952-C-T.
Other names: NM_000070.2(CAPN3):c.1468C>T(p.Arg490Trp); NM_024344.1(CAPN3):c.1468C>T(p.Arg490Trp); NM_173087.1(CAPN3):c.1324C>T(p.Arg442Trp); NM_000070.3(CAPN3):c.1468C>T; c.1468C>T, p.Arg490Trp (NM_024344.2); c.1324C>T, p.Arg442Trp (NM_173087.2); short protein forms R490W, R442W.
Identifiers: ClinVar variation 166790 (VCV000166790.83), dbSNP rs141656719, ClinGen allele CA233621.